The following is an entry in ClinVar:

NM_015338.6(ASXL1):c.1879G>A (p.Ala627Thr)

Gene: ASXL1 (ASXL transcriptional regulator 1; plus strand). Cytogenetic location: 20q11.21.
Variant type: single nucleotide variant.
Coding change: c.1879G>A on transcript NM_015338.6 (MANE Select); coding-DNA position 1879, G replaced by A.
Protein change: p.Ala627Thr; replaces alanine 627 with threonine.
Molecular consequence: missense variant.
Genome position (GRCh38, 1-based): chr20:32,434,591, G>A. VCF-style: chr20-32434591-G-A. GRCh37 (hg19) VCF-style: chr20-31022394-G-A.
Other names: c.1696G>A, p.Ala566Thr (NM_001363734.1); short protein forms A566T, A627T.
Identifiers: ClinVar variation 4883695 (VCV004883695.2).
Genomic context (GRCh38, chr20:32,434,591, plus strand): 5'-GGTTGGACTGGCGCCAGGACCCTCGCAGACATTAAAGCCCGTGCTCTGCAGGTCCGAGGG[G>A]CGAGAGGTCACCACTGCCATAGAGAGGCGGCCACCACTGCCATCGGAGGGGGGGGTGGCC-3'
Protein context (NP_056153.2, residues 617-637): IKARALQVRG[Ala627Thr]RGHHCHREAA

ClinVar aggregate classification (germline): Uncertain significance (1 of 4 stars; one submission).

Conditions:
Bohring-Opitz syndrome. Also called: C-LIKE SYNDROME; BOHRING SYNDROME; OPITZ TRIGONOCEPHALY-LIKE SYNDROME; ASXL1-Related Bohring-Opitz Syndrome. Identifiers: Orphanet 97297, MedGen C0796232, MONDO:0011510, OMIM 605039.

gnomAD v4.1: 1 of 1,613,142 alleles (0.000062%); no homozygotes.

Submission:

Dasa
Classification: Uncertain significance for Bohring-Opitz syndrome. Last evaluated: 2025-11-01. Review status: criteria provided, single submitter. Criteria: DASA Assertion Criteria. Collection method: clinical testing. Allele origin: germline.
Comment: NM_015338.6(ASXL1):c.1879G>A (p.Ala627Thr) is a missense variant that results in the substitution of alanine with threonine. This variant is rare in population databases. Computational prediction algorithms are consistent with a benign effect. The currently available literature and clinical evidence are not sufficient to establish a definitive association between this variant and the reported condition. Therefore, this variant is classified as a variant of uncertain significance.